The following is an entry in ClinVar:

ClinVar aggregate classification (germline): Uncertain significance (1 of 4 stars; one submission).

Conditions:
Hereditary cancer-predisposing syndrome. Also called: Hereditary Cancer Syndrome; Tumor predisposition; Hereditary neoplastic syndrome; Neoplastic Syndromes, Hereditary. Identifiers: Orphanet 140162, MedGen C0027672, MeSH D009386, MONDO:0015356.

Submission:

Ambry Genetics
Classification: Uncertain significance for Hereditary cancer-predisposing syndrome. Last evaluated: 2024-08-13. Review status: criteria provided, single submitter. Criteria: Ambry Variant Classification Scheme 2023. Collection method: clinical testing. Allele origin: germline.
Comment: The c.2414_2416delTCT variant (also known as p.I805_S806delinsT) is located in coding exon 4 of the MSH6 gene. This variant results from an in-frame TCT deletion at nucleotide positions 2414 to 2416. The isoleucine and serine at codons 805 to 806 are replaced by threonine, an amino acid with highly similar properties. This amino acid region is not well conserved in available vertebrate species. In addition, this alteration is predicted to be deleterious by in silico analysis (Choi Y et al. PLoS ONE. 2012; 7(10):e46688). Since supporting evidence is limited at this time, the clinical significance of this alteration remains unclear.

NM_000179.3(MSH6):c.2414_2416del (p.Ile805_Ser806delinsThr)

Gene: MSH6 (mutS homolog 6; plus strand). Cytogenetic location: 2p16.3.
Variant type: Deletion.
Coding change: c.2414_2416del on transcript NM_000179.3 (MANE Select); coding-DNA positions 2414 to 2416, 3 bases deleted (TCT; older notation c.2414_2416delTCT).
Protein change: p.Ile805_Ser806delinsThr.
Molecular consequence: inframe indel. On other transcripts: non-coding transcript variant (5), intron variant (3).
Genome position (GRCh38, 1-based): chr2:47,800,397-47,800,399, TCT deleted. VCF-style (leftmost placement, unchanged base first): chr2-47800396-ATCT-A. GRCh37 (hg19) VCF-style: chr2-48027535-ATCT-A.
Other names: c.2024_2026del, p.Ile675_Ser676delinsThr (NM_001281492.2); c.1508_1510del, p.Ile503_Ser504delinsThr (NM_001281493.2, NM_001281494.2, NM_001406811.1 and 6 more transcripts); c.2510_2512del, p.Ile837_Ser838delinsThr (NM_001406795.1, NM_001406802.1); c.2414_2416del, p.Ile805_Ser806delinsThr (NM_001406796.1, NM_001406798.1, NM_001406800.1 and 2 more transcripts); c.2117_2119del, p.Ile706_Ser707delinsThr (NM_001406797.1, NM_001406801.1, NM_001406805.1 and 10 more transcripts); c.1889_1891del, p.Ile630_Ser631delinsThr (NM_001406799.1, NM_001406806.1, NM_001406807.1); c.2336_2338del, p.Ile779_Ser780delinsThr (NM_001406804.1); c.2420_2422del, p.Ile807_Ser808delinsThr (NM_001406813.1); and 4 more.
Identifiers: ClinVar variation 3398884 (VCV003398884.1).